The following is an entry in ClinVar:

NM_000059.4(BRCA2):c.1291A>C (p.Thr431Pro)

Gene: BRCA2 (BRCA2 DNA repair associated; plus strand). Cytogenetic location: 13q13.1.
Variant type: single nucleotide variant.
Coding change: c.1291A>C on transcript NM_000059.4 (MANE Select); coding-DNA position 1291, A replaced by C.
Protein change: p.Thr431Pro; replaces threonine 431 with proline.
Molecular consequence: missense variant.
Genome position (GRCh38, 1-based): chr13:32,332,769, A>C. VCF-style: chr13-32332769-A-C. GRCh37 (hg19) VCF-style: chr13-32906906-A-C.
Other names: short protein forms T431P.
Identifiers: ClinVar variation 220158 (VCV000220158.13), dbSNP rs864622399, ClinGen allele CA349130.
Genomic context (GRCh38, chr13:32,332,769, plus strand): 5'-ATACCCCTATTGCATATTTCTTCATGTGACCAAAATATTTCAGAAAAAGACCTATTAGAC[A>C]CAGAGAACAAAAGAAAGAAAGATTTTCTTACTTCAGAGAATTCTTTGCCACGTATTTCTA-3'
Protein context (NP_000050.3, residues 421-441): QNISEKDLLD[Thr431Pro]ENKRKKDFLT

ClinVar aggregate classification (germline): Conflicting classifications of pathogenicity. Review status: criteria provided, conflicting classifications (1 of 4 stars). 3 submissions from 3 submitters: Uncertain significance (2); Likely benign (1). Last evaluated 2024-05-31.

Conditions:
Hereditary cancer-predisposing syndrome. Also called: Hereditary neoplastic syndrome; Tumor predisposition; Hereditary Cancer Syndrome; Neoplastic Syndromes, Hereditary. Identifiers: Orphanet 140162, MedGen C0027672, MeSH D009386, MONDO:0015356.
Hereditary breast ovarian cancer syndrome. Also called: BRCA1- and BRCA2-Associated Hereditary Breast and Ovarian Cancer; Hereditary breast and ovarian cancer syndrome (HBOC); Hereditary breast and/or ovarian cancer syndrome; Hereditary breast and ovarian cancer syndrome; Hereditary breast and ovarian cancer; Breast and ovarian cancer. Identifiers: Orphanet 145, MedGen C0677776, MeSH D061325, MONDO:0003582. Disease mechanism: loss of function.

Allele frequency attached by ClinVar (database versions not stated): gnomAD exomes below 0.00001.
gnomAD v4.1: 6 of 1,608,814 alleles (0.00037%); highest among the groups gnomAD compares: Non-Finnish European, 0.00051%; no homozygotes.

Submissions (3):

Labcorp Genetics (formerly Invitae), Labcorp
Classification: Uncertain significance for Hereditary breast ovarian cancer syndrome. Last evaluated: 2024-05-31. Review status: criteria provided, single submitter. Criteria: Invitae Variant Classification Sherloc (09022015). Collection method: clinical testing. Allele origin: germline.
Comment: This sequence change replaces threonine, which is neutral and polar, with proline, which is neutral and non-polar, at codon 431 of the BRCA2 protein (p.Thr431Pro). This variant is present in population databases (no rsID available, gnomAD 0.0009%). This variant has not been reported in the literature in individuals affected with BRCA2-related conditions. ClinVar contains an entry for this variant (Variation ID: 220158). Advanced modeling of protein sequence and biophysical properties (such as structural, functional, and spatial information, amino acid conservation, physicochemical variation, residue mobility, and thermodynamic stability) performed at Invitae indicates that this missense variant is not expected to disrupt BRCA2 protein function with a negative predictive value of 95%. RNA analysis performed to evaluate the impact of this missense change on mRNA splicing indicates it does not significantly alter splicing (PMID: 32123317). In summary, the available evidence is currently insufficient to determine the role of this variant in disease. Therefore, it has been classified as a Variant of Uncertain Significance.

Ambry Genetics
Classification: Uncertain significance for Hereditary cancer-predisposing syndrome. Last evaluated: 2023-12-19. Review status: criteria provided, single submitter. Criteria: Ambry Variant Classification Scheme 2023. Collection method: clinical testing. Allele origin: germline.
Comment: The p.T431P variant (also known as c.1291A>C), located in coding exon 9 of the BRCA2 gene, results from an A to C substitution at nucleotide position 1291. The threonine at codon 431 is replaced by proline, an amino acid with highly similar properties. This amino acid position is poorly conserved in available vertebrate species. In addition, this alteration is predicted to be tolerated by in silico analysis. Since supporting evidence is limited at this time, the clinical significance of this alteration remains unclear.

University of Washington Department of Laboratory Medicine, University of Washington
Classification: Likely benign for Hereditary cancer-predisposing syndrome. Last evaluated: 2023-03-23. Review status: criteria provided, single submitter. Criteria: Dines et al. (Genet Med. 2020). Collection method: curation. Allele origin: germline.
Comment: Missense variant in a coldspot region where missense variants are very unlikely to be pathogenic (PMID:31911673).

BRCA2 exon 10 coldspot. Reclassification based on statistical prior probability.

Literature cited by the submitters: PubMed 32123317 (cited by Labcorp Genetics (formerly Invitae), Labcorp).